The following is an entry in ClinVar:

ClinVar aggregate classification (germline): Conflicting classifications of pathogenicity. Review status: criteria provided, conflicting classifications (1 of 4 stars). 5 submissions from 5 submitters: Uncertain significance (4); Likely benign (1). Last evaluated 2025-08-14.

Conditions:
Hereditary cancer-predisposing syndrome. Also called: Hereditary neoplastic syndrome; Neoplastic Syndromes, Hereditary; Hereditary Cancer Syndrome; Tumor predisposition. Identifiers: Orphanet 140162, MedGen C0027672, MeSH D009386, MONDO:0015356.
Hereditary breast ovarian cancer syndrome. Also called: BRCA1- and BRCA2-Associated Hereditary Breast and Ovarian Cancer; Hereditary breast and ovarian cancer syndrome; Hereditary breast and ovarian cancer syndrome (HBOC); Hereditary breast and/or ovarian cancer syndrome; Breast and ovarian cancer; Hereditary breast and ovarian cancer. Identifiers: Orphanet 145, MedGen C0677776, MeSH D061325, MONDO:0003582. Disease mechanism: loss of function.

Allele frequency attached by ClinVar (database versions not stated): gnomAD exomes below 0.00001.
gnomAD v4.1: 2 of 1,614,086 alleles (0.00012%); highest among the groups gnomAD compares: East Asian, 0.0045%; no homozygotes.

Submissions (5):

Ambry Genetics
Classification: Uncertain significance for Hereditary cancer-predisposing syndrome. Last evaluated: 2025-08-14. Review status: criteria provided, single submitter. Criteria: Ambry Variant Classification Scheme 2023. Collection method: clinical testing. Allele origin: germline.
Comment: The p.L760F variant (also known as c.2280A>C), located in coding exon 10 of the BRCA2 gene, results from an A to C substitution at nucleotide position 2280. The leucine at codon 760 is replaced by phenylalanine, an amino acid with highly similar properties. This amino acid position is not well conserved in available vertebrate species. In addition, this alteration is predicted to be tolerated by in silico analysis. Based on the available evidence, the clinical significance of this variant remains unclear.

Labcorp Genetics (formerly Invitae), Labcorp
Classification: Uncertain significance for Hereditary breast ovarian cancer syndrome. Last evaluated: 2025-04-22. Review status: criteria provided, single submitter. Criteria: Invitae Variant Classification Sherloc (09022015). Collection method: clinical testing. Allele origin: germline.
Comment: This sequence change replaces leucine, which is neutral and non-polar, with phenylalanine, which is neutral and non-polar, at codon 760 of the BRCA2 protein (p.Leu760Phe). This variant is not present in population databases (gnomAD no frequency). This missense change has been observed in individual(s) with breast cancer (PMID: 30287823). ClinVar contains an entry for this variant (Variation ID: 659381). Invitae Evidence Modeling of protein sequence and biophysical properties (such as structural, functional, and spatial information, amino acid conservation, physicochemical variation, residue mobility, and thermodynamic stability) indicates that this missense variant is not expected to disrupt BRCA2 protein function with a negative predictive value of 95%. Experimental studies have shown that this missense change does not substantially affect BRCA2 function (PMID: 37731132). In summary, the available evidence is currently insufficient to determine the role of this variant in disease. Therefore, it has been classified as a Variant of Uncertain Significance.

Women's Health and Genetics/Laboratory Corporation of America, LabCorp
Classification: Uncertain significance. Last evaluated: 2024-07-18. Review status: criteria provided, single submitter. Criteria: LabCorp Variant Classification Summary - May 2015. Collection method: clinical testing. Allele origin: germline.
Comment: Variant summary: BRCA2 c.2280A>C (p.Leu760Phe) results in a non-conservative amino acid change in the encoded protein sequence. Four of five in-silico tools predict a benign effect of the variant on protein function. The variant allele was found at a frequency of 1.7e-05 in 1736714 control chromosomes. This frequency is not significantly higher than estimated for a pathogenic variant in BRCA2 causing Hereditary Breast And Ovarian Cancer Syndrome (1.7e-05 vs 0.00075), allowing no conclusion about variant significance. c.2280A>C has been reported in the literature in individuals affected withbreast cancer as well as in healthy controls (e.g. Okawa_2023, Momozawa_2018). These report(s) do not provide unequivocal conclusions about association of the variant with Hereditary Breast And Ovarian Cancer Syndrome. To our knowledge, no experimental evidence demonstrating an impact on protein function has been reported. The following publications have been ascertained in the context of this evaluation (PMID: 30287823, 36243179). ClinVar contains an entry for this variant (Variation ID: 659381). Based on the evidence outlined above, the variant was classified as uncertain significance.

University of Washington Department of Laboratory Medicine, University of Washington
Classification: Likely benign for Hereditary cancer-predisposing syndrome. Last evaluated: 2023-03-23. Review status: criteria provided, single submitter. Criteria: Dines et al. (Genet Med. 2020). Collection method: curation. Allele origin: germline.
Comment: Missense variant in a coldspot region where missense variants are very unlikely to be pathogenic (PMID:31911673).

BRCA2 exon 11 coldspot. Reclassification based on statistical prior probability.

Color Diagnostics, LLC DBA Color Health
Classification: Uncertain significance for Hereditary cancer-predisposing syndrome. Last evaluated: 2021-01-06. Review status: criteria provided, single submitter. Criteria: ACMG Guidelines, 2015. Collection method: clinical testing. Allele origin: germline.
Comment: This missense variant replaces leucine with phenylalanine at codon 760 of the BRCA2 protein. Computational prediction suggests that this variant may not impact protein structure and function (internally defined REVEL score threshold <= 0.5, PMID: 27666373). To our knowledge, functional studies have not been reported for this variant. This variant has been reported in individuals affected with breast cancer and in unaffected individuals in the same study (PMID: 30287823). This variant has not been identified in the general population by the Genome Aggregation Database (gnomAD). The available evidence is insufficient to determine the role of this variant in disease conclusively. Therefore, this variant is classified as a Variant of Uncertain Significance.

Literature cited by the submitters: PubMed 30287823 (cited by Labcorp Genetics (formerly Invitae), Labcorp and Women's Health and Genetics/Laboratory Corporation of America, LabCorp); PubMed 37731132 (cited by Labcorp Genetics (formerly Invitae), Labcorp); PubMed 36243179 (cited by Women's Health and Genetics/Laboratory Corporation of America, LabCorp).

NM_000059.4(BRCA2):c.2280A>C (p.Leu760Phe)

Gene: BRCA2 (BRCA2 DNA repair associated; plus strand). Cytogenetic location: 13q13.1.
Variant type: single nucleotide variant.
Coding change: c.2280A>C on transcript NM_000059.4 (MANE Select); coding-DNA position 2280, A replaced by C.
Protein change: p.Leu760Phe; replaces leucine 760 with phenylalanine.
Molecular consequence: missense variant.
Genome position (GRCh38, 1-based): chr13:32,336,635, A>C. VCF-style: chr13-32336635-A-C. GRCh37 (hg19) VCF-style: chr13-32910772-A-C.
Other names: short protein forms L760F.
Identifiers: ClinVar variation 659381 (VCV000659381.17), dbSNP rs1593896537, ClinGen allele CA387771131.